The following is an entry in ClinVar:

ClinVar aggregate classification (germline): Uncertain significance (1 of 4 stars; one submission).

gnomAD v4.1: 5 of 1,613,612 alleles (0.00031%); highest among the groups gnomAD compares: Admixed American, 0.0017%; no homozygotes.

Submission:

Labcorp Genetics (formerly Invitae), Labcorp
Classification: Uncertain significance. Last evaluated: 2022-01-07. Review status: criteria provided, single submitter. Criteria: Invitae Variant Classification Sherloc (09022015). Collection method: clinical testing. Allele origin: germline.
Comment: This variant is not present in population databases (gnomAD no frequency). This sequence change replaces valine, which is neutral and non-polar, with leucine, which is neutral and non-polar, at codon 1020 of the SLC24A1 protein (p.Val1020Leu). This variant has not been reported in the literature in individuals affected with SLC24A1-related conditions. Algorithms developed to predict the effect of missense changes on protein structure and function output the following: SIFT: "Deleterious"; PolyPhen-2: "Benign"; Align-GVGD: "Class C0". The leucine amino acid residue is found in multiple mammalian species, which suggests that this missense change does not adversely affect protein function. In summary, the available evidence is currently insufficient to determine the role of this variant in disease. Therefore, it has been classified as a Variant of Uncertain Significance.

NM_004727.3(SLC24A1):c.3058G>C (p.Val1020Leu)

Gene: SLC24A1 (solute carrier family 24 member 1; plus strand). Cytogenetic location: 15q22.31.
Variant type: single nucleotide variant.
Coding change: c.3058G>C on transcript NM_004727.3 (MANE Select); coding-DNA position 3058, G replaced by C.
Protein change: p.Val1020Leu; replaces valine 1020 with leucine.
Molecular consequence: missense variant. On other transcripts: intron variant (1).
Genome position (GRCh38, 1-based): chr15:65,653,837, G>C. VCF-style: chr15-65653837-G-C. GRCh37 (hg19) VCF-style: chr15-65946175-G-C.
Other names: c.1039G>C, p.Val347Leu (NM_001254740.2); c.2968G>C, p.Val990Leu (NM_001301031.1); c.3004G>C, p.Val1002Leu (NM_001301032.1); c.2716G>C, p.Val906Leu (NM_001411142.1); c.2996+1029G>C (NM_001301033.2); short protein forms V347L, V906L, V990L, V1020L, V1002L.
Identifiers: ClinVar variation 2076740 (VCV002076740.4), dbSNP rs375878760, ClinGen allele CA392903020.
Genomic context (GRCh38, chr15:65,653,837, plus strand): 5'-ATGGGATTATTATAAACATTAAGGATATTCACATCGTTTCTTCAATCTTGCAGCTTGCCT[G>C]TTCCTTGGTTGCTTTTCTCTCTTATCAATGGATTACAGCCAGTTCCAGTCAGCAGCAATG-3'
Protein context (NP_004718.1, residues 1010-1030): NIFDITVGLP[Val1020Leu]PWLLFSLING